The following is an entry in ClinVar:

ClinVar aggregate classification (germline): Uncertain significance (1 of 4 stars; one submission).

Allele frequency attached by ClinVar (database versions not stated): gnomAD exomes 0.00003 and 0.00012; ESP Exome Variant Server 0.00015; ExAC 0.00017; gnomAD 0.00024 and 0.00025; TOPMed 0.00031; 1000 Genomes Project 0.00100; 1000 Genomes Project 30x 0.00125.
gnomAD v4.1: 80 of 1,613,942 alleles (0.005%); highest among the groups gnomAD compares: African/African-American, 0.084%; no homozygotes.

Submission:

Labcorp Genetics (formerly Invitae), Labcorp
Classification: Uncertain significance. Last evaluated: 2022-10-24. Review status: criteria provided, single submitter. Criteria: Invitae Variant Classification Sherloc (09022015). Collection method: clinical testing. Allele origin: germline.
Comment: This sequence change replaces arginine, which is basic and polar, with glutamine, which is neutral and polar, at codon 137 of the POP1 protein (p.Arg137Gln). This variant is present in population databases (rs150791484, gnomAD 0.1%). This variant has not been reported in the literature in individuals affected with POP1-related conditions. ClinVar contains an entry for this variant (Variation ID: 1395576). Algorithms developed to predict the effect of missense changes on protein structure and function are either unavailable or do not agree on the potential impact of this missense change (SIFT: "Deleterious"; PolyPhen-2: "Probably Damaging"; Align-GVGD: "Class C0"). In summary, the available evidence is currently insufficient to determine the role of this variant in disease. Therefore, it has been classified as a Variant of Uncertain Significance.

NM_001145860.2(POP1):c.410G>A (p.Arg137Gln)

Gene: POP1 (POP1 homolog, ribonuclease P/MRP subunit; plus strand). Cytogenetic location: 8q22.2.
Variant type: single nucleotide variant.
Coding change: c.410G>A on transcript NM_001145860.2 (MANE Select); coding-DNA position 410, G replaced by A.
Protein change: p.Arg137Gln; replaces arginine 137 with glutamine.
Molecular consequence: missense variant.
Genome position (GRCh38, 1-based): chr8:98,128,464, G>A. VCF-style: chr8-98128464-G-A. GRCh37 (hg19) VCF-style: chr8-99140692-G-A.
Other names: c.410G>A, p.Arg137Gln (NM_001145861.2, NM_015029.3); short protein forms R137Q.
Identifiers: ClinVar variation 1395576 (VCV001395576.3), dbSNP rs150791484, ClinGen allele CA4820304.